The following is an entry in ClinVar:

ClinVar aggregate classification (germline): Uncertain significance (1 of 4 stars; one submission).

Conditions:
Walker-Warburg congenital muscular dystrophy. Also called: Muscular dystrophy-dystroglycanopathy, type A; Walker-Warburg syndrome. Identifiers: Orphanet 899, MedGen C0265221, MONDO:0000171.

Allele frequency attached by ClinVar (database versions not stated): gnomAD exomes below 0.00001.
gnomAD v4.1: 1 of 1,542,688 alleles (0.000065%); highest among the groups gnomAD compares: Admixed American, 0.0019%; no homozygotes.

Submission:

Labcorp Genetics (formerly Invitae), Labcorp
Classification: Uncertain significance for Walker-Warburg congenital muscular dystrophy. Last evaluated: 2020-02-02. Review status: criteria provided, single submitter. Criteria: Invitae Variant Classification Sherloc (09022015). Collection method: clinical testing. Allele origin: germline.
Comment: Algorithms developed to predict the effect of missense changes on protein structure and function are either unavailable or do not agree on the potential impact of this missense change (SIFT: "Deleterious"; PolyPhen-2: "Probably Damaging"; Align-GVGD: "Class C0"). This variant has been observed in individual(s) with clinical features of limb-girdle muscular dystrophy (Invitae). In at least one individual the data is consistent with the variant being in trans (on the opposite chromosome) from a pathogenic variant. This variant is not present in population databases (ExAC no frequency). This sequence change replaces leucine with arginine at codon 214 of the FKRP protein (p.Leu214Arg). The leucine residue is highly conserved and there is a moderate physicochemical difference between leucine and arginine. In summary, the available evidence is currently insufficient to determine the role of this variant in disease. Therefore, it has been classified as a Variant of Uncertain Significance.

NM_024301.5(FKRP):c.641T>G (p.Leu214Arg)

Gene: FKRP (fukutin related protein; plus strand). Cytogenetic location: 19q13.32.
Variant type: single nucleotide variant.
Coding change: c.641T>G on transcript NM_024301.5 (MANE Select); coding-DNA position 641, T replaced by G.
Protein change: p.Leu214Arg; replaces leucine 214 with arginine.
Molecular consequence: missense variant.
Genome position (GRCh38, 1-based): chr19:46,756,091, T>G. VCF-style: chr19-46756091-T-G. GRCh37 (hg19) VCF-style: chr19-47259348-T-G.
Other names: c.641T>G, p.Leu214Arg (NM_001039885.3); short protein forms L214R.
Identifiers: ClinVar variation 1018001 (VCV001018001.9), dbSNP rs1380899496, ClinGen allele CA406495721.
Genomic context (GRCh38, chr19:46,756,091, plus strand): 5'-TGGACGGAGATGCTGTGGTGCTCCTGCGCGCCCGCGACCTCTTCAACCTCTCGGCGCCCC[T>G]GGCCCGGCCGGTGGGCACCAGCCTCTTTCTGCAGACCGCCCTTCGCGGCTGGGCGGTGCA-3'
Protein context (NP_077277.1, residues 204-224): ARDLFNLSAP[Leu214Arg]ARPVGTSLFL